The following is an entry in ClinVar:

NM_138576.4(BCL11B):c.1865C>T (p.Ala622Val)

Gene: BCL11B (BCL11 transcription factor B; minus strand). Cytogenetic location: 14q32.2.
Variant type: single nucleotide variant.
Coding change: c.1865C>T on transcript NM_138576.4 (MANE Select); coding-DNA position 1865, C replaced by T.
Protein change: p.Ala622Val; replaces alanine 622 with valine.
Molecular consequence: missense variant.
Genome position (GRCh38, 1-based): chr14:99,174,971, G>A on the plus strand (C>T on the coding strand, the complement: BCL11B is on the minus strand). VCF-style: chr14-99174971-G-A. GRCh37 (hg19) VCF-style: chr14-99641308-G-A.
Other names: c.1862C>T, p.Ala621Val (NM_001282237.2); c.1649C>T, p.Ala550Val (NM_001282238.2); c.1652C>T, p.Ala551Val (NM_022898.3); short protein forms A550V, A621V, A622V, A551V.
Identifiers: ClinVar variation 4768247 (VCV004768247.1).
Genomic context (GRCh38, chr14:99,174,971, plus strand): 5'-CAGCCGCCCGCGTCGTCGTCGTCGCCCGCGTCCCCGCCGCCCGCCGCACGCTTCAGGAAG[G>A]CGCCGCGCTTCTGCTTGTCGGCCAGGAGCTCGCCGTACTGCGGCAGTGCGCCTAGGCCCA-3'
Protein context (NP_612808.1, residues 612-632): ELLADKQKRG[Ala622Val]FLKRAAGGGD

ClinVar aggregate classification (germline): Uncertain significance (1 of 4 stars; one submission).

gnomAD v4.1: 2 of 1,557,344 alleles (0.00013%); highest among the groups gnomAD compares: East Asian, 0.0024%; no homozygotes.

Submission:

Labcorp Genetics (formerly Invitae), Labcorp
Classification: Uncertain significance. Last evaluated: 2026-01-13. Review status: criteria provided, single submitter. Criteria: Invitae Variant Classification Sherloc (09022015). Collection method: clinical testing. Allele origin: germline.
Comment: This sequence change replaces alanine, which is neutral and non-polar, with valine, which is neutral and non-polar, at codon 622 of the BCL11B protein (p.Ala622Val). This variant is present in population databases (no rsID available, gnomAD 0.007%). This variant has not been reported in the literature in individuals affected with BCL11B-related conditions. Invitae Evidence Modeling of protein sequence and biophysical properties (such as structural, functional, and spatial information, amino acid conservation, physicochemical variation, residue mobility, and thermodynamic stability) indicates that this missense variant is not expected to disrupt BCL11B protein function with a negative predictive value of 95%. In summary, the available evidence is currently insufficient to determine the role of this variant in disease. Therefore, it has been classified as a Variant of Uncertain Significance.